The following is an entry in ClinVar:

ClinVar aggregate classification (germline): Uncertain significance (1 of 4 stars; one submission).

Allele frequency attached by ClinVar (database versions not stated): gnomAD exomes below 0.00001.
gnomAD v4.1: 1 of 1,604,296 alleles (0.000062%); highest among the groups gnomAD compares: Admixed American, 0.0017%; no homozygotes.

Submission:

CeGaT Center for Human Genetics Tuebingen
Classification: Uncertain significance. Last evaluated: 2022-05-01. Review status: criteria provided, single submitter. Criteria: CeGaT Center For Human Genetics Tuebingen Variant Classification Criteria Version 2. Collection method: clinical testing. Allele origin: germline. Affected: yes. Observed: 1 variant allele.
Comment: SPTBN2: PM2

NM_006946.4(SPTBN2):c.2480T>C (p.Val827Ala)

Gene: SPTBN2 (spectrin beta, non-erythrocytic 2; minus strand). Cytogenetic location: 11q13.2.
Variant type: single nucleotide variant.
Coding change: c.2480T>C on transcript NM_006946.4 (MANE Select); coding-DNA position 2480, T replaced by C.
Protein change: p.Val827Ala; replaces valine 827 with alanine.
Molecular consequence: missense variant.
Genome position (GRCh38, 1-based): chr11:66,704,796, A>G on the plus strand (T>C on the coding strand, the complement: SPTBN2 is on the minus strand). VCF-style: chr11-66704796-A-G. GRCh37 (hg19) VCF-style: chr11-66472267-A-G.
Other names: c.2501T>C, p.Val834Ala (NM_001411025.1); short protein forms V827A, V834A.
Identifiers: ClinVar variation 2642004 (VCV002642004.24), dbSNP rs2496270136, ClinGen allele CA381477671.
Genomic context (GRCh38, chr11:66,704,796, plus strand): 5'-GCCCGCGCTCGCTCGCCTGCCCGGGCCTGCAGCTCCTCGTAGTGCCGCTCCAGGGTGGGC[A>G]CCCGGCTCTGCACCTCGGGCGTGCGGCTCAGTGTGGGGGGCAGGGCTGCTGCCTGTTCCC-3'
Protein context (NP_008877.2, residues 817-837): LSRTPEVQSR[Val827Ala]PTLERHYEEL